The following is an entry in ClinVar:

NM_005502.4(ABCA1):c.5912T>C (p.Phe1971Ser)

Gene: ABCA1 (ATP binding cassette subfamily A member 1; minus strand). Cytogenetic location: 9q31.1.
Variant type: single nucleotide variant.
Coding change: c.5912T>C on transcript NM_005502.4 (MANE Select); coding-DNA position 5912, T replaced by C.
Protein change: p.Phe1971Ser; replaces phenylalanine 1971 with serine.
Molecular consequence: missense variant.
Genome position (GRCh38, 1-based): chr9:104,790,937, A>G on the plus strand (T>C on the coding strand, the complement: ABCA1 is on the minus strand). VCF-style: chr9-104790937-A-G. GRCh37 (hg19) VCF-style: chr9-107553218-A-G.
Other names: short protein forms F1971S.
Identifiers: ClinVar variation 2568289 (VCV002568289.2), dbSNP rs2538045659, ClinGen allele CA374309733.
Genomic context (GRCh38, chr9:104,790,937, plus strand): 5'-AAAACAAAGTCTTTGCAGCAAAATACAAGCCACTTCTTTTCTCACCTATTTTTGTTAAGG[A>G]AAGCATCTCCTCTGGTAACAGTGGTATCTCCTGTTAACATCTTGAAAGTTGATGATTTTC-3'
Protein context (NP_005493.2, residues 1961-1981): GDTTVTRGDA[Phe1971Ser]LNKNSILSNI

ClinVar aggregate classification (germline): Uncertain significance (1 of 4 stars; one submission).

Conditions:
Cardiovascular phenotype. Identifiers: MedGen CN230736.

Submission:

Ambry Genetics
Classification: Uncertain significance for Cardiovascular phenotype. Last evaluated: 2023-05-14. Review status: criteria provided, single submitter. Criteria: Ambry Variant Classification Scheme 2023. Collection method: clinical testing. Allele origin: germline.
Comment: The p.F1971S variant (also known as c.5912T>C), located in coding exon 43 of the ABCA1 gene, results from a T to C substitution at nucleotide position 5912. The phenylalanine at codon 1971 is replaced by serine, an amino acid with highly dissimilar properties. This amino acid position is conserved. In addition, the in silico prediction for this alteration is inconclusive. Since supporting evidence is limited at this time, the clinical significance of this alteration remains unclear.